The following is an entry in ClinVar:

ClinVar aggregate classification (germline): Conflicting classifications of pathogenicity. Review status: criteria provided, conflicting classifications (1 of 4 stars). 2 submissions from 2 submitters: Uncertain significance (1); Likely benign (1). Last evaluated 2024-05-05.

Conditions:
Hereditary cancer-predisposing syndrome. Also called: Hereditary neoplastic syndrome; Neoplastic Syndromes, Hereditary; Hereditary Cancer Syndrome; Tumor predisposition. Identifiers: Orphanet 140162, MedGen C0027672, MeSH D009386, MONDO:0015356.
Fanconi anemia (FA). Also called: Fanconi's anemia. Identifiers: Orphanet 84, MedGen C0015625, MeSH D005199, MONDO:0019391.

Submissions (2):

Ambry Genetics
Classification: Likely benign for Hereditary cancer-predisposing syndrome. Last evaluated: 2024-05-05. Review status: criteria provided, single submitter. Criteria: Ambry Variant Classification Scheme 2023. Collection method: clinical testing. Allele origin: germline.

Labcorp Genetics (formerly Invitae), Labcorp
Classification: Uncertain significance for Fanconi anemia. Last evaluated: 2022-12-30. Review status: criteria provided, single submitter. Criteria: Invitae Variant Classification Sherloc (09022015). Collection method: clinical testing. Allele origin: germline.
Comment: In summary, the available evidence is currently insufficient to determine the role of this variant in disease. Therefore, it has been classified as a Variant of Uncertain Significance. Advanced modeling of protein sequence and biophysical properties (such as structural, functional, and spatial information, amino acid conservation, physicochemical variation, residue mobility, and thermodynamic stability) performed at Invitae indicates that this missense variant is not expected to disrupt FANCC protein function. This variant has not been reported in the literature in individuals affected with FANCC-related conditions. This variant is not present in population databases (gnomAD no frequency). This sequence change replaces glycine, which is neutral and non-polar, with cysteine, which is neutral and slightly polar, at codon 537 of the FANCC protein (p.Gly537Cys).

NM_000136.3(FANCC):c.1609G>T (p.Gly537Cys)

Genes: FANCC (FA complementation group C; minus strand), AOPEP (aminopeptidase O (putative); plus strand). Cytogenetic location: 9q22.32.
Variant type: single nucleotide variant.
Coding change: c.1609G>T on transcript NM_000136.3 (MANE Select); coding-DNA position 1609, G replaced by T.
Protein change: p.Gly537Cys; replaces glycine 537 with cysteine.
Molecular consequence: missense variant.
Genome position (GRCh38, 1-based): chr9:95,101,775, C>A on the plus strand (G>T on the coding strand, the complement: FANCC is on the minus strand). VCF-style: chr9-95101775-C-A. GRCh37 (hg19) VCF-style: chr9-97864057-C-A.
Other names: c.1609G>T, p.Gly537Cys (NM_001243743.2); short protein forms G537C.
Identifiers: ClinVar variation 2766260 (VCV002766260.2), dbSNP rs2540749923, ClinGen allele CA374104485.